The following is an entry in ClinVar:

NM_014681.6(DHX34):c.2776_2779del (p.Leu926fs)

Gene: DHX34 (DExH-box helicase 34; plus strand). Cytogenetic location: 19q13.32.
Variant type: Microsatellite.
Coding change: c.2776_2779del on transcript NM_014681.6 (MANE Select); coding-DNA positions 2776 to 2779, 4 bases deleted (CTGG; older notation c.2776_2779delCTGG).
Protein change: p.Leu926fs; shifts the reading frame from leucine 926.
Molecular consequence: frameshift variant.
Genome position (GRCh38, 1-based): chr19:47,379,779-47,379,782, CTGG deleted; deleting any 4 consecutive bases within chr19:47,379,772-47,379,782 gives the same sequence; the c. name uses the placement nearest the transcript's 3' end. VCF-style (leftmost placement, unchanged base first): chr19-47379771-ATGGC-A. GRCh37 (hg19) VCF-style: chr19-47883028-ATGGC-A.
Other names: short protein forms L926fs.
Identifiers: ClinVar variation 1477303 (VCV001477303.6), dbSNP rs753950378, ClinGen allele CA2580614921.
Genomic context (GRCh38, chr19:47,379,771, plus strand): 5'-CCCTCCTGCTTTTTAGCCGGTCTTTGGACACCAATGGTGACTGCTCCCGCCTGGTGGCCG[ATGGC>A]TGGCTGGAGCTGCAGCTAGCAGACAGTGAAAGTGCCATCCGACTCCTGGCGGCTTCCCTG-3'

ClinVar aggregate classification (germline): Uncertain significance (1 of 4 stars; one submission).

Submission:

Labcorp Genetics (formerly Invitae), Labcorp
Classification: Uncertain significance. Last evaluated: 2023-08-02. Review status: criteria provided, single submitter. Criteria: Invitae Variant Classification Sherloc (09022015). Collection method: clinical testing. Allele origin: germline.
Comment: In summary, the available evidence is currently insufficient to determine the role of this variant in disease. Therefore, it has been classified as a Variant of Uncertain Significance. This variant has not been reported in the literature in individuals affected with DHX34-related conditions. This variant is not present in population databases (gnomAD no frequency). This sequence change creates a premature translational stop signal (p.Leu926Serfs*4) in the DHX34 gene. It is expected to result in an absent or disrupted protein product. However, the current clinical and genetic evidence is not sufficient to establish whether loss-of-function variants in DHX34 cause disease.